The following is an entry in ClinVar:

NM_000059.4(BRCA2):c.6372A>C (p.Lys2124Asn)

Gene: BRCA2 (BRCA2 DNA repair associated; plus strand). Cytogenetic location: 13q13.1.
Variant type: single nucleotide variant.
Coding change: c.6372A>C on transcript NM_000059.4 (MANE Select); coding-DNA position 6372, A replaced by C.
Protein change: p.Lys2124Asn; replaces lysine 2124 with asparagine.
Molecular consequence: missense variant.
Genome position (GRCh38, 1-based): chr13:32,340,727, A>C. VCF-style: chr13-32340727-A-C. GRCh37 (hg19) VCF-style: chr13-32914864-A-C.
Other names: short protein forms K2124N.
Identifiers: ClinVar variation 826357 (VCV000826357.17), dbSNP rs1593908412, ClinGen allele CA387789174.

ClinVar aggregate classification (germline): Conflicting classifications of pathogenicity. Review status: criteria provided, conflicting classifications (1 of 4 stars). 4 submissions from 4 submitters: Uncertain significance (3); Likely benign (1). Last evaluated 2025-03-11.

Conditions:
Hereditary breast ovarian cancer syndrome. Also called: Hereditary breast and ovarian cancer syndrome; Hereditary breast and ovarian cancer; Hereditary breast and ovarian cancer syndrome (HBOC); Breast and ovarian cancer; Hereditary breast and/or ovarian cancer syndrome; BRCA1- and BRCA2-Associated Hereditary Breast and Ovarian Cancer. Identifiers: Orphanet 145, MedGen C0677776, MeSH D061325, MONDO:0003582. Disease mechanism: loss of function.
Hereditary cancer-predisposing syndrome. Also called: Neoplastic Syndromes, Hereditary; Tumor predisposition; Hereditary neoplastic syndrome; Hereditary Cancer Syndrome. Identifiers: Orphanet 140162, MedGen C0027672, MeSH D009386, MONDO:0015356.

Allele frequency attached by ClinVar (database versions not stated): gnomAD exomes below 0.00001.
gnomAD v4.1: 2 of 1,605,890 alleles (0.00012%); highest among the groups gnomAD compares: Non-Finnish European, 0.000085%; no homozygotes.

Submissions (4):

Labcorp Genetics (formerly Invitae), Labcorp
Classification: Uncertain significance for Hereditary breast ovarian cancer syndrome. Last evaluated: 2025-03-11. Review status: criteria provided, single submitter. Criteria: Invitae Variant Classification Sherloc (09022015). Collection method: clinical testing. Allele origin: germline.
Comment: This sequence change replaces lysine, which is basic and polar, with asparagine, which is neutral and polar, at codon 2124 of the BRCA2 protein (p.Lys2124Asn). This variant is not present in population databases (gnomAD no frequency). This variant has not been reported in the literature in individuals affected with BRCA2-related conditions. ClinVar contains an entry for this variant (Variation ID: 826357). Invitae Evidence Modeling of protein sequence and biophysical properties (such as structural, functional, and spatial information, amino acid conservation, physicochemical variation, residue mobility, and thermodynamic stability) indicates that this missense variant is not expected to disrupt BRCA2 protein function with a negative predictive value of 95%. In summary, the available evidence is currently insufficient to determine the role of this variant in disease. Therefore, it has been classified as a Variant of Uncertain Significance.

Ambry Genetics
Classification: Uncertain significance for Hereditary cancer-predisposing syndrome. Last evaluated: 2024-10-21. Review status: criteria provided, single submitter. Criteria: Ambry Variant Classification Scheme 2023. Collection method: clinical testing. Allele origin: germline.
Comment: The p.K2124N variant (also known as c.6372A>C), located in coding exon 10 of the BRCA2 gene, results from an A to C substitution at nucleotide position 6372. The lysine at codon 2124 is replaced by asparagine, an amino acid with similar properties. This amino acid position is not well conserved in available vertebrate species. In addition, this alteration is predicted to be tolerated by in silico analysis. Since supporting evidence is limited at this time, the clinical significance of this alteration remains unclear.

GeneDx
Classification: Uncertain significance. Last evaluated: 2024-08-07. Review status: criteria provided, single submitter. Criteria: GeneDx Variant Classification Process June 2021. Collection method: clinical testing. Allele origin: germline. Affected: yes.
Comment: Not observed at significant frequency in large population cohorts (gnomAD); In silico analysis indicates that this missense variant does not alter protein structure/function; Has not been previously published as pathogenic or benign to our knowledge

University of Washington Department of Laboratory Medicine, University of Washington
Classification: Likely benign for Hereditary cancer-predisposing syndrome. Last evaluated: 2023-03-23. Review status: criteria provided, single submitter. Criteria: Dines et al. (Genet Med. 2020). Collection method: curation. Allele origin: germline.
Comment: Missense variant in a coldspot region where missense variants are very unlikely to be pathogenic (PMID:31911673).

BRCA2 exon 11 coldspot. Reclassification based on statistical prior probability.